The following is an entry in ClinVar:

NM_002180.3(IGHMBP2):c.1061-2A>G

Gene: IGHMBP2 (immunoglobulin mu DNA binding protein 2; plus strand). Cytogenetic location: 11q13.3.
Variant type: single nucleotide variant.
Coding change: c.1061-2A>G on transcript NM_002180.3 (MANE Select); the canonical splice acceptor site of the intron before coding-DNA position 1061, A replaced by G.
Molecular consequence: splice acceptor variant.
Genome position (GRCh38, 1-based): chr11:68,929,181, A>G. VCF-style: chr11-68929181-A-G. GRCh37 (hg19) VCF-style: chr11-68696649-A-G.
Identifiers: ClinVar variation 1175183 (VCV001175183.5), dbSNP rs1424522130, ClinGen allele CA381647367.

ClinVar aggregate classification (germline): Pathogenic. Review status: criteria provided, multiple submitters, no conflicts (2 of 4 stars). 2 submissions from 2 submitters: Pathogenic (2). Last evaluated 2023-01-11.

Conditions:
Autosomal recessive distal spinal muscular atrophy 1. Also called: NEURONOPATHY, DISTAL HEREDITARY MOTOR, HARDING TYPE VI; NEUROPATHY, DISTAL HEREDITARY MOTOR, AUTOSOMAL RECESSIVE 1; NEURONOPATHY, SEVERE INFANTILE AXONAL, WITH RESPIRATORY FAILURE; SEVERE INFANTILE AXONAL NEUROPATHY WITH RESPIRATORY FAILURE; SPINAL MUSCULAR ATROPHY, DIAPHRAGMATIC; HMN VI. Identifiers: Orphanet 98920, MedGen C1858517, MONDO:0011436, OMIM 604320.
Charcot-Marie-Tooth disease axonal type 2S. Also called: CHARCOT-MARIE-TOOTH NEUROPATHY, TYPE 2S; CHARCOT-MARIE-TOOTH DISEASE, AXONAL, AUTOSOMAL RECESSIVE, TYPE 2S. Identifiers: Orphanet 443073, MedGen C4015349, MONDO:0014511, OMIM 616155.

Allele frequency attached by ClinVar (database versions not stated): TOPMed below 0.00001; gnomAD 0.00001.
gnomAD v4.1: 1 of 1,612,044 alleles (0.000062%); highest among the groups gnomAD compares: East Asian, 0.0022%; no homozygotes.

Submissions (2):

Labcorp Genetics (formerly Invitae), Labcorp
Classification: Pathogenic for Autosomal recessive distal spinal muscular atrophy 1; Charcot-Marie-Tooth disease axonal type 2S. Last evaluated: 2023-01-11. Review status: criteria provided, single submitter. Criteria: Invitae Variant Classification Sherloc (09022015). Collection method: clinical testing. Allele origin: germline.
Comment: This variant is present in population databases (no rsID available, gnomAD 0.06%). For these reasons, this variant has been classified as Pathogenic. Algorithms developed to predict the effect of sequence changes on RNA splicing suggest that this variant may disrupt the consensus splice site. ClinVar contains an entry for this variant (Variation ID: 1175183). Disruption of this splice site has been observed in individual(s) with Charcot-Marie-Tooth disease and/or clinical features of spinal muscular atrophy (PMID: 28065684, 34539730). In at least one individual the data is consistent with being in trans (on the opposite chromosome) from a pathogenic variant. This sequence change affects an acceptor splice site in intron 7 of the IGHMBP2 gene. It is expected to disrupt RNA splicing. Variants that disrupt the donor or acceptor splice site typically lead to a loss of protein function (PMID: 16199547), and loss-of-function variants in IGHMBP2 are known to be pathogenic (PMID: 14681881, 25439726, 25568292).

Beijing Key Laboratry for Genetics of Birth Defects, Beijing Children's Hospital
Classification: Pathogenic for Autosomal recessive distal spinal muscular atrophy 1. Last evaluated: 2020-02-28. Review status: criteria provided, single submitter. Criteria: ACMG Guidelines, 2015. Collection method: clinical testing. Allele origin: germline. Affected: yes. Observed: 1 variant allele.

Literature cited by the submitters: PubMed 28065684 (cited by Labcorp Genetics (formerly Invitae), Labcorp); PubMed 34539730 (cited by Labcorp Genetics (formerly Invitae), Labcorp); PubMed 16199547 (cited by Labcorp Genetics (formerly Invitae), Labcorp); PubMed 14681881 (cited by Labcorp Genetics (formerly Invitae), Labcorp); PubMed 25439726 (cited by Labcorp Genetics (formerly Invitae), Labcorp); PubMed 25568292 (cited by Labcorp Genetics (formerly Invitae), Labcorp).